The following is an entry in ClinVar:

ClinVar aggregate classification (germline): Uncertain significance (1 of 4 stars; one submission).

Allele frequency attached by ClinVar (database versions not stated): gnomAD 0.00001.
gnomAD v4.1: 2 of 1,613,890 alleles (0.00012%); highest among the groups gnomAD compares: Admixed American, 0.0017%; no homozygotes.

Submission:

Labcorp Genetics (formerly Invitae), Labcorp
Classification: Uncertain significance. Last evaluated: 2022-08-22. Review status: criteria provided, single submitter. Criteria: Invitae Variant Classification Sherloc (09022015). Collection method: clinical testing. Allele origin: germline.
Comment: In summary, the available evidence is currently insufficient to determine the role of this variant in disease. Therefore, it has been classified as a Variant of Uncertain Significance. Algorithms developed to predict the effect of missense changes on protein structure and function are either unavailable or do not agree on the potential impact of this missense change (SIFT: "Deleterious"; PolyPhen-2: "Not Available"; Align-GVGD: "Class C0"). This variant has not been reported in the literature in individuals affected with CDH23-related conditions. This variant is present in population databases (no rsID available, gnomAD 0.003%). This sequence change replaces proline, which is neutral and non-polar, with arginine, which is basic and polar, at codon 174 of the CDH23 protein (p.Pro174Arg).

NM_022124.6(CDH23):c.521C>G (p.Pro174Arg)

Gene: CDH23 (cadherin related 23; plus strand). Cytogenetic location: 10q22.1.
Variant type: single nucleotide variant.
Coding change: c.521C>G on transcript NM_022124.6 (MANE Select); coding-DNA position 521, C replaced by G.
Protein change: p.Pro174Arg; replaces proline 174 with arginine.
Molecular consequence: missense variant.
Genome position (GRCh38, 1-based): chr10:71,566,833, C>G. VCF-style: chr10-71566833-C-G. GRCh37 (hg19) VCF-style: chr10-73326590-C-G.
Other names: c.521C>G, p.Pro174Arg (NM_001171930.2, NM_001171931.2, NM_001171932.2 and 1 more transcripts); short protein forms P174R.
Identifiers: ClinVar variation 2184850 (VCV002184850.4), dbSNP rs1157558761, ClinGen allele CA377111992.
Genomic context (GRCh38, chr10:71,566,833, plus strand): 5'-TGAATGCCACAGACCCCGACTTGGGGGCAGGGGGCAGCGTCCTCTACTCCTTCCAGCCCC[C>G]CTCCCAATTCTTCGCCATTGACAGCGCCCGCGGTATCGTCACAGTGATCCGGGAGCTGGA-3'
Protein context (NP_071407.4, residues 164-184): GGSVLYSFQP[Pro174Arg]SQFFAIDSAR